The following is an entry in ClinVar:

ClinVar aggregate classification (germline): Uncertain significance (1 of 4 stars; one submission).

gnomAD v4.1: 4 of 1,528,590 alleles (0.00026%); highest among the groups gnomAD compares: Admixed American, 0.002%; no homozygotes.

Submission:

Labcorp Genetics (formerly Invitae), Labcorp
Classification: Uncertain significance. Last evaluated: 2025-08-07. Review status: criteria provided, single submitter. Criteria: Invitae Variant Classification Sherloc (09022015). Collection method: clinical testing. Allele origin: germline.
Comment: This sequence change replaces glutamine, which is neutral and polar, with histidine, which is basic and polar, at codon 852 of the HR protein (p.Gln852His). This variant is present in population databases (no rsID available, gnomAD 0.1%). This variant has not been reported in the literature in individuals affected with HR-related conditions. An algorithm developed to predict the effect of missense changes on protein structure and function (PolyPhen-2) suggests that this variant is likely to be tolerated. In summary, the available evidence is currently insufficient to determine the role of this variant in disease. Therefore, it has been classified as a Variant of Uncertain Significance.

NM_005144.5(HR):c.2556G>T (p.Gln852His)

Gene: HR (HR lysine demethylase and nuclear receptor corepressor; minus strand). Cytogenetic location: 8p21.3.
Variant type: single nucleotide variant.
Coding change: c.2556G>T on transcript NM_005144.5 (MANE Select); coding-DNA position 2556, G replaced by T.
Protein change: p.Gln852His; replaces glutamine 852 with histidine.
Molecular consequence: missense variant.
Genome position (GRCh38, 1-based): chr8:22,120,770, C>A on the plus strand (G>T on the coding strand, the complement: HR is on the minus strand). VCF-style: chr8-22120770-C-A. GRCh37 (hg19) VCF-style: chr8-21978283-C-A.
Other names: c.2556G>T, p.Gln852His (NM_018411.4); short protein forms Q852H.
Identifiers: ClinVar variation 4693407 (VCV004693407.1).